The following is an entry in ClinVar:

ClinVar aggregate classification (germline): Uncertain significance. Review status: criteria provided, multiple submitters, no conflicts (2 of 4 stars). 2 submissions from 2 submitters: Uncertain significance (2). Last evaluated 2025-04-18.

Conditions:
Inborn genetic diseases. Identifiers: MedGen C0950123, MeSH D030342.

Allele frequency attached by ClinVar (database versions not stated): gnomAD exomes 0.00001; gnomAD 0.00006; ESP Exome Variant Server 0.00010; TOPMed 0.00014.
gnomAD v4.1: 20 of 1,191,530 alleles (0.0017%); highest among the groups gnomAD compares: African/African-American, 0.032%; no homozygotes.

Submissions (2):

Ambry Genetics
Classification: Uncertain significance for Inborn genetic diseases. Last evaluated: 2025-04-18. Review status: criteria provided, single submitter. Criteria: Ambry Variant Classification Scheme 2023. Collection method: clinical testing. Allele origin: germline.

Labcorp Genetics (formerly Invitae), Labcorp
Classification: Uncertain significance. Last evaluated: 2025-01-06. Review status: criteria provided, single submitter. Criteria: Invitae Variant Classification Sherloc (09022015). Collection method: clinical testing. Allele origin: germline.
Comment: This sequence change replaces asparagine, which is neutral and polar, with serine, which is neutral and polar, at codon 439 of the NYX protein (p.Asn439Ser). This variant is present in population databases (rs370654546, gnomAD 0.02%). This variant has not been reported in the literature in individuals affected with NYX-related conditions. ClinVar contains an entry for this variant (Variation ID: 953823). An algorithm developed to predict the effect of missense changes on protein structure and function (PolyPhen-2) suggests that this variant is likely to be tolerated. In summary, the available evidence is currently insufficient to determine the role of this variant in disease. Therefore, it has been classified as a Variant of Uncertain Significance.

NM_001378477.3(NYX):c.1301A>G (p.Asn434Ser)

Gene: NYX (nyctalopin; plus strand). Cytogenetic location: Xp11.4.
Variant type: single nucleotide variant.
Coding change: c.1301A>G on transcript NM_001378477.3 (MANE Select); coding-DNA position 1301, A replaced by G.
Protein change: p.Asn434Ser; replaces asparagine 434 with serine.
Molecular consequence: missense variant.
Genome position (GRCh38, 1-based): chrX:41,474,769, A>G. VCF-style: chrX-41474769-A-G. GRCh37 (hg19) VCF-style: chrX-41334022-A-G.
Other names: c.1301A>G, p.Asn434Ser (NM_022567.3); short protein forms N439S, N434S.
Identifiers: ClinVar variation 953823 (VCV000953823.10), dbSNP rs370654546, ClinGen allele CA329217089.